The following is an entry in ClinVar:

Single allele

Variant type: Deletion.
Identifiers: ClinVar variation 156992 (VCV000156992.2).

ClinVar aggregate classification (germline): not provided (0 of 4 stars; one submission).

Conditions:
Small for gestational age. Also called: Low birth weight. Identifiers: MedGen C0235991, HP:0001518.

Submission:

Institute of Molecular and Cell Biology, University of Tartu
No classification provided. Condition: Small for gestational age. Review status: no classification provided. Collection method: case-control. Allele origin: unknown. Affected: yes. Study: Kasak2014.
Comment: The study aimed to determine the contribution of copy number variants in the genetic etiology of normal and complicated pregnancies. The samples represented (i) maternal blood DNA drawn from healthy pregnant women during 1st or 2nd trimester and (ii) maternal and paternal blood DNA drawn at term pregnancy cases representing normal and complicated gestations (severe preeclampsia, PE; gestational diabetes, GD; small-for-gestational age newborn, SGA; large-for-gestational age newborn, LGA). We performed CNV calling based on genome-wide genotyping dataset (Illumina HumanOmniExpress-24-v1 BeadChip) by applying three algorithms, QuantiSNP, GADA (Genome Alteration Detection Algorithm) and CNstream in parallel. The acquired CNV calls were merged with HD-CNV (Hotspot Detector for Copy Number Variants) program and only the CNVs predicted by at least two programs, were considered in subsequent analysis.

Literature cited by the submitters: PubMed 25666259.